The following is an entry in ClinVar:

ClinVar aggregate classification (germline): Uncertain significance (1 of 4 stars; one submission).

Allele frequency attached by ClinVar (database versions not stated): TOPMed 0.00001 and 0.00002; gnomAD 0.00003.
gnomAD v4.1: 5 of 1,609,372 alleles (0.00031%); highest among the groups gnomAD compares: African/African-American, 0.0067%; no homozygotes.

Submission:

Laboratory for Molecular Medicine, Mass General Brigham Personalized Medicine
Classification: Uncertain significance. Last evaluated: 2015-01-28. Review status: criteria provided, single submitter. Criteria: LMM Criteria. Collection method: clinical testing. Allele origin: germline. Observed: 1 variant allele.
Comment: The p.Glu1808Ala variant in TTN has not been previously reported in individuals with cardiomyopathy or large population studies. Computational prediction tools and conservation analysis do not provide strong support for or against an impact to the protein. In summary, the clinical significance of the p.Glu1808Ala varia nt is uncertain.

NM_001267550.2(TTN):c.5423A>C (p.Glu1808Ala)

Gene: TTN (titin; minus strand). Cytogenetic location: 2q31.2.
Variant type: single nucleotide variant.
Coding change: c.5423A>C on transcript NM_001267550.2 (MANE Select); coding-DNA position 5423, A replaced by C.
Protein change: p.Glu1808Ala; replaces glutamic acid 1808 with alanine.
Molecular consequence: missense variant.
Genome position (GRCh38, 1-based): chr2:178,776,441, T>G on the plus strand (A>C on the coding strand, the complement: TTN is on the minus strand). VCF-style: chr2-178776441-T-G. GRCh37 (hg19) VCF-style: chr2-179641168-T-G.
Other names: c.5423A>C, p.Glu1808Ala (NM_133378.4, NM_001256850.1, NM_133379.5); c.5285A>C, p.Glu1762Ala (NM_003319.4, NM_133432.3, NM_133437.4); short protein forms E1808A, E1762A.
Identifiers: ClinVar variation 229484 (VCV000229484.5), dbSNP rs746238242, ClinGen allele CA10576574.